The following is an entry in ClinVar:

NM_005896.4(IDH1):c.286A>G (p.Asn96Asp)

Gene: IDH1 (isocitrate dehydrogenase (NADP(+)) 1; minus strand). Cytogenetic location: 2q34.
Variant type: single nucleotide variant.
Coding change: c.286A>G on transcript NM_005896.4 (MANE Select); coding-DNA position 286, A replaced by G.
Protein change: p.Asn96Asp; replaces asparagine 96 with aspartic acid.
Molecular consequence: missense variant.
Genome position (GRCh38, 1-based): chr2:208,248,497, T>C on the plus strand (A>G on the coding strand, the complement: IDH1 is on the minus strand). VCF-style: chr2-208248497-T-C. GRCh37 (hg19) VCF-style: chr2-209113221-T-C.
Other names: c.286A>G, p.Asn96Asp (NM_001282386.1, NM_001282387.1); short protein forms N96D.
Identifiers: ClinVar variation 3225137 (VCV003225137.1), dbSNP rs755612585, ClinGen allele CA350101680.
Genomic context (GRCh38, chr2:208,248,497, plus strand): 5'-TTTTGCAGATAATGGCTTCTCTGAAGACCGTGCCACCCAGAATATTTCGTATGGTGCCAT[T>C]TGGTGATTTCCACATTTGTTTCAACTTGAACTCCTCAACCCTCTTCTCATCAGGAGTGAT-3'
Protein context (NP_005887.2, residues 86-106): FKLKQMWKSP[Asn96Asp]GTIRNILGGT

ClinVar aggregate classification (germline): Uncertain significance (1 of 4 stars; one submission).

Submission:

Ambry Genetics
Classification: Uncertain significance. Last evaluated: 2023-09-20. Review status: criteria provided, single submitter. Criteria: Ambry Variant Classification Scheme 2023. Collection method: clinical testing. Allele origin: germline.
Comment: The p.N96D variant (also known as c.286A>G), located in coding exon 2 of the IDH1 gene, results from an A to G substitution at nucleotide position 286. The asparagine at codon 96 is replaced by aspartic acid, an amino acid with highly similar properties. This amino acid position is conserved. In addition, the in silico prediction for this alteration is inconclusive. Since supporting evidence is limited at this time, the clinical significance of this alteration remains unclear.